The following is an entry in ClinVar:

NM_000262.3(NAGA):c.838dup (p.Leu280fs)

Gene: NAGA (alpha-N-acetylgalactosaminidase; minus strand). Cytogenetic location: 22q13.2.
Variant type: Duplication.
Coding change: c.838dup on transcript NM_000262.3 (MANE Select); coding-DNA position 838, one base duplicated (C; older notation c.838dupC).
Protein change: p.Leu280fs; shifts the reading frame from leucine 280.
Molecular consequence: frameshift variant.
Genome position (GRCh38, 1-based): chr22:42,062,946, G duplicated on the plus strand (C on the coding strand, the reverse complement: NAGA is on the minus strand); the first of 6 consecutive G bases (chr22:42,062,946-42,062,951); duplicating any one gives the same sequence. VCF-style (leftmost placement, unchanged base first): chr22-42062945-A-AG. GRCh37 (hg19) VCF-style: chr22-42458949-A-AG.
Other names: c.838dup, p.Leu280fs (NM_001362848.1, NM_001362850.1); short protein forms L280fs.
Identifiers: ClinVar variation 5004825 (VCV005004825.1).

ClinVar aggregate classification (germline): Pathogenic (1 of 4 stars; one submission).

Conditions:
Alpha-N-acetylgalactosaminidase deficiency. Identifiers: Orphanet 3137, MedGen C5848084, MONDO:0017779.

Submission:

Myriad Genetics, Inc.
Classification: Pathogenic for Alpha-N-acetylgalactosaminidase deficiency. Last evaluated: 2026-07-31. Review status: criteria provided, single submitter. Criteria: Myriad Autosomal Dominant, Autosomal Recessive and X-Linked Classification Criteria (2023). Collection method: clinical testing. Allele origin: unknown.
Comment: NM_000262.2(NAGA):c.838dupC(L280Pfs*57) is a frameshift variant classified as pathogenic in the context of NAGA-related disorders. L280Pfs*57 has not been observed in cases with relevant disease. Relevant functional assessments of this variant are not available in the literature. L280Pfs*57 has not been observed in referenced population frequency databases. In summary, NM_000262.2(NAGA):c.838dupC(L280Pfs*57) is a frameshift variant in a gene where loss of function is a known mechanism of disease and is predicted to disrupt protein function. Please note: this variant was assessed in the context of healthy population screening.